The following is an entry in ClinVar:

NM_020774.4(MIB1):c.705T>C (p.Gly235=)

Gene: MIB1 (MIB E3 ubiquitin protein ligase 1; plus strand). Cytogenetic location: 18q11.2.
Variant type: single nucleotide variant.
Coding change: c.705T>C on transcript NM_020774.4 (MANE Select); coding-DNA position 705, T replaced by C.
Protein change: p.Gly235=; no amino-acid change (glycine 235 retained).
Molecular consequence: synonymous variant.
Genome position (GRCh38, 1-based): chr18:21,779,482, T>C. VCF-style: chr18-21779482-T-C. GRCh37 (hg19) VCF-style: chr18-19359443-T-C.
Identifiers: ClinVar variation 373656 (VCV000373656.1), dbSNP rs755288537, ClinGen allele CA8908111.

ClinVar aggregate classification (germline): Uncertain significance (1 of 4 stars; one submission).

Allele frequency attached by ClinVar (database versions not stated): ExAC 0.00001; gnomAD exomes below 0.00001.
gnomAD v4.1: 3 of 1,613,902 alleles (0.00019%); highest among the groups gnomAD compares: South Asian, 0.0033%; no homozygotes.

Submission:

GeneDx
Classification: Uncertain significance. Last evaluated: 2016-12-05. Review status: criteria provided, single submitter. Criteria: GeneDx Variant Classification (06012015). Collection method: clinical testing. Allele origin: germline. Affected: yes.
Comment: The G235G (c.705 T>C) variant has not been published as a pathogenic variant, nor has it been reported as a benign variant to our knowledge. It was not observed in approximately 6,500 individuals of European and African American ancestry in the NHLBI Exome Sequencing Project, indicating it is not a common benign variant in these populations. The G235G (c.705 T>C) variant occurs at a nucleotide position that is conserved through mammals. Multiple in silico splice algorithms predict this variant may affect gene splicing. Nonetheless, no MIB1 splice site variants have been reported in the Human Gene Mutation Database (Stenson et al., 2014), and in the absence of functional mRNA studies, the physiological consequence of this variant cannot be precisely determined.Therefore, based on the currently available information, it is unclear whether this variant is pathogenic or rare benign. This result cannot be interpreted for diagnosis or used for family member screening at this time.